The following is an entry in ClinVar:

ClinVar aggregate classification (germline): Uncertain significance. Review status: criteria provided, multiple submitters, no conflicts (2 of 4 stars). 3 submissions from 3 submitters: Uncertain significance (2). 1 of the submissions does not count toward it. Last evaluated 2022-05-26.

Conditions:
Microcephaly, epilepsy, and diabetes syndrome 1 (MEDS1). Identifiers: MedGen CN305347, MONDO:0031481, OMIM 614231.
Microcephaly, epilepsy, and diabetes syndrome. Identifiers: Orphanet 306558, MedGen C3280240, MONDO:0100328.

Allele frequency attached by ClinVar (database versions not stated): gnomAD exomes below 0.00001 and 0.00002; TOPMed 0.00001; ExAC 0.00003.
gnomAD v4.1: 4 of 1,606,954 alleles (0.00025%); highest among the groups gnomAD compares: Admixed American, 0.0051%; no homozygotes.

Submissions (3):

GeneDx
Classification: Uncertain significance. Last evaluated: 2022-05-26. Review status: criteria provided, single submitter. Criteria: GeneDx Variant Classification Process June 2021. Collection method: clinical testing. Allele origin: germline. Affected: yes.
Comment: Observed in compound heterozygous state in a patient with microcephaly, epilepsy, and neonatal diabetes; however, the variant in trans is of uncertain significance (Shalev et al., 2014); Not observed at significant frequency in large population cohorts (gnomAD); In silico analysis supports that this missense variant has a deleterious effect on protein structure/function; This variant is associated with the following publications: (PMID: 28915629, 28711742, 31589614, 34229114, 21835305, 24138066)

Labcorp Genetics (formerly Invitae), Labcorp
Classification: Uncertain significance for Microcephaly, epilepsy, and diabetes syndrome. Last evaluated: 2021-08-16. Review status: criteria provided, single submitter. Criteria: Invitae Variant Classification Sherloc (09022015). Collection method: clinical testing. Allele origin: germline.
Comment: This sequence change replaces valine with glycine at codon 21 of the IER3IP1 protein (p.Val21Gly). The valine residue is moderately conserved and there is a moderate physicochemical difference between valine and glycine. This variant is present in population databases (rs387907011, ExAC 0.04%). This missense change has been observed in individuals with microcephaly with simplified gyral pattern, epilepsy, and permanent neonatal diabetes syndrome (PMID: 21835305, 24138066). ClinVar contains an entry for this variant (Variation ID: 30785). Algorithms developed to predict the effect of missense changes on protein structure and function are either unavailable or do not agree on the potential impact of this missense change (SIFT: "Deleterious"; PolyPhen-2: "Possibly Damaging"; Align-GVGD: "Class C0"). In summary, the available evidence is currently insufficient to determine the role of this variant in disease. Therefore, it has been classified as a Variant of Uncertain Significance.

OMIM
Classification: Pathogenic for MICROCEPHALY, EPILEPSY, AND DIABETES SYNDROME 1. Last evaluated: 2014-05-01. Review status: no assertion criteria provided. Collection method: literature only. Allele origin: germline. Not counted in ClinVar's aggregate classification.

Literature cited by the submitters: PubMed 21835305 (cited by Labcorp Genetics (formerly Invitae), Labcorp and OMIM); PubMed 24138066 (cited by Labcorp Genetics (formerly Invitae), Labcorp and OMIM); PubMed 16972080 (cited by OMIM).

NM_016097.5(IER3IP1):c.62T>G (p.Val21Gly)

Gene: IER3IP1 (immediate early response 3 interacting protein 1; minus strand). Cytogenetic location: 18q21.1.
Variant type: single nucleotide variant.
Coding change: c.62T>G on transcript NM_016097.5 (MANE Select); coding-DNA position 62, T replaced by G.
Protein change: p.Val21Gly; replaces valine 21 with glycine.
Molecular consequence: missense variant.
Genome position (GRCh38, 1-based): chr18:47,176,216, A>C on the plus strand (T>G on the coding strand, the complement: IER3IP1 is on the minus strand). VCF-style: chr18-47176216-A-C. GRCh37 (hg19) VCF-style: chr18-44702587-A-C.
Other names: short protein forms V21G.
Identifiers: ClinVar variation 30785 (VCV000030785.9), dbSNP rs387907011, ClinGen allele CA129465.